The following is an entry in ClinVar:

NM_001261826.3(AP3D1):c.218G>C (p.Ser73Thr)

Gene: AP3D1 (adaptor related protein complex 3 subunit delta 1; minus strand). Cytogenetic location: 19p13.3.
Variant type: single nucleotide variant.
Coding change: c.218G>C on transcript NM_001261826.3 (MANE Select); coding-DNA position 218, G replaced by C.
Protein change: p.Ser73Thr; replaces serine 73 with threonine.
Molecular consequence: missense variant.
Genome position (GRCh38, 1-based): chr19:2,137,782, C>G on the plus strand (G>C on the coding strand, the complement: AP3D1 is on the minus strand). VCF-style: chr19-2137782-C-G. GRCh37 (hg19) VCF-style: chr19-2137781-C-G.
Other names: c.218G>C, p.Ser73Thr (NM_001374799.1, NM_003938.8); short protein forms S73T.
Identifiers: ClinVar variation 3404227 (VCV003404227.2).

ClinVar aggregate classification (germline): Uncertain significance. Review status: criteria provided, multiple submitters, no conflicts (2 of 4 stars). 2 submissions from 2 submitters: Uncertain significance (2). Last evaluated 2026-01-12.

Conditions:
Inborn genetic diseases. Identifiers: MedGen C0950123, MeSH D030342.

gnomAD v4.1: 30 of 1,613,936 alleles (0.0019%); highest among the groups gnomAD compares: Admixed American, 0.0033%; no homozygotes.

Submissions (2):

Labcorp Genetics (formerly Invitae), Labcorp
Classification: Uncertain significance. Last evaluated: 2026-01-12. Review status: criteria provided, single submitter. Criteria: Invitae Variant Classification Sherloc (09022015). Collection method: clinical testing. Allele origin: germline.
Comment: This sequence change replaces serine, which is neutral and polar, with threonine, which is neutral and polar, at codon 73 of the AP3D1 protein (p.Ser73Thr). This variant is present in population databases (rs754114237, gnomAD 0.006%). This variant has not been reported in the literature in individuals affected with AP3D1-related conditions. ClinVar contains an entry for this variant (Variation ID: 3404227). An algorithm developed to predict the effect of missense changes on protein structure and function (PolyPhen-2) suggests that this variant is likely to be disruptive. In summary, the available evidence is currently insufficient to determine the role of this variant in disease. Therefore, it has been classified as a Variant of Uncertain Significance.

Ambry Genetics
Classification: Uncertain significance for Inborn genetic diseases. Last evaluated: 2024-12-05. Review status: criteria provided, single submitter. Criteria: Ambry Variant Classification Scheme 2023. Collection method: clinical testing. Allele origin: germline.